The following is an entry in ClinVar:

NM_201378.4(PLEC):c.71-3741C>T

Genes: PLEC (plectin; minus strand), LOC130001342 (ATAC-STARR-seq lymphoblastoid silent region 19633; plus strand). Cytogenetic location: 8q24.3.
Variant type: single nucleotide variant.
Coding change: c.71-3741C>T on transcript NM_201378.4 (MANE Plus Clinical); 3741 bases into the intron before coding-DNA position 71, C replaced by T.
Molecular consequence: intron variant. On other transcripts: missense variant (1).
Genome position (GRCh38, 1-based): chr8:143,942,433, G>A on the plus strand (C>T on the coding strand, the complement: PLEC is on the minus strand). VCF-style: chr8-143942433-G-A. GRCh37 (hg19) VCF-style: chr8-145016601-G-A.
Other names: c.112+1346C>T (NM_201382.4); c.83C>T, p.Pro28Leu (NM_201383.3); c.194-3741C>T (NM_001410941.1, NM_000445.5); c.47-3741C>T (NM_201379.3); c.524-3741C>T (NM_201380.4); c.16+2215C>T (NM_201381.3); short protein forms P28L.
Identifiers: ClinVar variation 3340882 (VCV003340882.3).
Genomic context (GRCh38, chr8:143,942,433, plus strand): 5'-GCCACGCCACTGCACCCACCTACGCAGCACAGCTGCTGGTAGAGGTAGCCCCTGCGGGCC[G>A]GCTCGCAGCCCCCGTCCAGCCAGCACGGCCGCTCCAGCAAGACCTCCCTCGGCGAGGCAA-3'

ClinVar aggregate classification (germline): Uncertain significance. Review status: criteria provided, multiple submitters, no conflicts (2 of 4 stars). 2 submissions from 2 submitters: Uncertain significance (2). Last evaluated 2026-09-30.

Conditions:
PLEC-related disorder. Also called: PLEC-related condition; PLEC-related disorders.

gnomAD v4.1: 123 of 1,604,420 alleles (0.0077%); highest among the groups gnomAD compares: African/African-American, 0.023%; no homozygotes.

Submissions (2):

GeneDx
Classification: Uncertain significance. Last evaluated: 2026-09-30. Review status: criteria provided, single submitter. Criteria: GeneDx Variant Classification Process June 2021. Collection method: clinical testing. Allele origin: germline.
Comment: Not observed at significant frequency in large population cohorts (gnomAD); In silico analysis supports that this missense variant has a deleterious effect on protein structure/function; Missense variant in a gene in which most reported pathogenic variants are truncating/loss of function; Has not been previously published as pathogenic or benign to our knowledge; Reported using an alternate transcript of the gene

PreventionGenetics, part of Exact Sciences
Classification: Uncertain significance for PLEC-related condition. Last evaluated: 2026-02-16. Review status: criteria provided, single submitter. Criteria: ACMG Guidelines, 2015. Collection method: clinical testing. Allele origin: germline.
Comment: The PLEC c.83C>T variant is predicted to result in the amino acid substitution p.Pro28Leu. This variant is called c.71-3741C>T under an alternate transcript (NM_201378.4). To our knowledge, it has not been reported in the literature. This variant is reported in 0.011% of alleles in individuals of European (Non-Finnish) descent in gnomAD. At this time, the clinical significance of this variant is uncertain due to the absence of conclusive functional and genetic evidence.